The following is an entry in ClinVar:

NM_025000.4(DCAF17):c.628-5G>A

Gene: DCAF17 (DDB1 and CUL4 associated factor 17; plus strand). Cytogenetic location: 2q31.1.
Variant type: single nucleotide variant.
Coding change: c.628-5G>A on transcript NM_025000.4 (MANE Select); 5 bases into the intron before coding-DNA position 628, G replaced by A.
Molecular consequence: intron variant.
Genome position (GRCh38, 1-based): chr2:171,457,966, G>A. VCF-style: chr2-171457966-G-A. GRCh37 (hg19) VCF-style: chr2-172314476-G-A.
Other names: c.628-5G>A (NM_001164821.2, NM_025000.3).
Identifiers: ClinVar variation 2199324 (VCV002199324.5), dbSNP rs376150622, ClinGen allele CA1964748.

ClinVar aggregate classification (germline): Likely benign. Review status: criteria provided, multiple submitters, no conflicts (2 of 4 stars). 2 submissions from 2 submitters: Likely benign (2). Last evaluated 2026-03-26.

Conditions:
DCAF17-related disorder. Also called: DCAF17-related condition.
Woodhouse-Sakati syndrome. Also called: Hypogonadism, Alopecia, Diabetes Mellitus, Mental Retardation, and Extrapyramidal Syndrome; Hypogonadism, diabetes mellitus, alopecia, mental retardation and electrocardiographic abnormalities; EXTRAPYRAMIDAL DISORDER, PROGRESSIVE, WITH PRIMARY HYPOGONADISM, MENTAL RETARDATION, AND ALOPECIA. Identifiers: Orphanet 3464, MedGen C0342286, MONDO:0009419, OMIM 241080.

Allele frequency attached by ClinVar (database versions not stated): ExAC 0.00002; gnomAD 0.00002; TOPMed 0.00002; gnomAD exomes 0.00003; ESP Exome Variant Server 0.00008.
gnomAD v4.1: 43 of 1,612,094 alleles (0.0027%); highest among the groups gnomAD compares: East Asian, 0.0045%; no homozygotes.

Submissions (2):

PreventionGenetics, part of Exact Sciences
Classification: Likely benign for DCAF17-related condition. Last evaluated: 2026-03-26. Review status: criteria provided, single submitter. Criteria: ACMG Guidelines, 2015. Collection method: clinical testing. Allele origin: germline.
Comment: This variant is classified as likely benign based on ACMG/AMP sequence variant interpretation guidelines (Richards et al. 2015 PMID: 25741868, with internal and published modifications).

Labcorp Genetics (formerly Invitae), Labcorp
Classification: Likely benign for Woodhouse-Sakati syndrome. Last evaluated: 2024-02-25. Review status: criteria provided, single submitter. Criteria: Invitae Variant Classification Sherloc (09022015). Collection method: clinical testing. Allele origin: germline.